The following is an entry in ClinVar:

NM_000138.5(FBN1):c.4459+3A>G

Gene: FBN1 (fibrillin 1; minus strand). Cytogenetic location: 15q21.1.
Variant type: single nucleotide variant.
Coding change: c.4459+3A>G on transcript NM_000138.5 (MANE Select); 3 bases into the intron after coding-DNA position 4459, A replaced by G.
Molecular consequence: intron variant.
Genome position (GRCh38, 1-based): chr15:48,470,631, T>C on the plus strand (A>G on the coding strand, the complement: FBN1 is on the minus strand). VCF-style: chr15-48470631-T-C. GRCh37 (hg19) VCF-style: chr15-48762828-T-C.
Other names: c.4459+3A>G (NM_001406716.1).
Identifiers: ClinVar variation 4757402 (VCV004757402.1).

ClinVar aggregate classification (germline): Uncertain significance (1 of 4 stars; one submission).

Conditions:
Familial thoracic aortic aneurysm and aortic dissection (TAAD). Also called: Thoracic aortic aneurysms and dissections. Identifiers: Orphanet 91387, MedGen C4707243, MONDO:0019625.

Submission:

Color Diagnostics, LLC DBA Color Health
Classification: Uncertain significance for Familial thoracic aortic aneurysm and aortic dissection. Last evaluated: 2025-07-07. Review status: criteria provided, single submitter. Criteria: ACMG Guidelines, 2015. Collection method: clinical testing. Allele origin: germline.
Comment: This variant causes an A to G nucleotide substitution at the +3 position of intron 36/65 of the FBN1 gene. To our knowledge, functional studies have not been reported for this variant. This variant has not been reported in individuals affected with FBN1-related disorders in the literature. This variant has not been identified in the general population by the Genome Aggregation Database (gnomAD). The available evidence is insufficient to determine the role of this variant in disease conclusively. Therefore, this variant is classified as a Variant of Uncertain Significance.